The following is an entry in ClinVar:

NM_015015.3(KDM4B):c.2571G>T (p.Lys857Asn)

Gene: KDM4B (lysine demethylase 4B; plus strand). Cytogenetic location: 19p13.3.
Variant type: single nucleotide variant.
Coding change: c.2571G>T on transcript NM_015015.3 (MANE Select); coding-DNA position 2571, G replaced by T.
Protein change: p.Lys857Asn; replaces lysine 857 with asparagine.
Molecular consequence: missense variant.
Genome position (GRCh38, 1-based): chr19:5,143,987, G>T. VCF-style: chr19-5143987-G-T. GRCh37 (hg19) VCF-style: chr19-5143998-G-T.
Other names: c.2673G>T, p.Lys891Asn (NM_001411148.1); short protein forms K857N, K891N.
Identifiers: ClinVar variation 4685250 (VCV004685250.1).

ClinVar aggregate classification (germline): Uncertain significance (1 of 4 stars; one submission).

Submission:

GeneDx
Classification: Uncertain significance. Last evaluated: 2025-07-10. Review status: criteria provided, single submitter. Criteria: GeneDx Variant Classification Process June 2021. Collection method: clinical testing. Allele origin: germline. Affected: yes.
Comment: Not observed at significant frequency in large population cohorts (gnomAD); In silico analysis supports that this missense variant has a deleterious effect on protein structure/function; Has not been previously published as pathogenic or benign to our knowledge